The following is an entry in ClinVar:

ClinVar aggregate classification (germline): Conflicting classifications of pathogenicity. Review status: criteria provided, conflicting classifications (1 of 4 stars). 7 submissions from 7 submitters: Uncertain significance (5); Benign (2). Last evaluated 2026-08-27.

Conditions:
CDH1-related disorder. Also called: CDH1-related condition.
Hereditary cancer-predisposing syndrome. Also called: Neoplastic Syndromes, Hereditary; Hereditary neoplastic syndrome; Hereditary Cancer Syndrome; Tumor predisposition. Identifiers: Orphanet 140162, MedGen C0027672, MeSH D009386, MONDO:0015356.
Familial cancer of breast. Also called: hereditary breast carcinoma; Hereditary breast cancer; BREAST CANCER, FAMILIAL. Identifiers: Orphanet 227535, MedGen C0346153, MONDO:0016419, OMIM 114480. Disease mechanism: loss of function.
Hereditary diffuse gastric adenocarcinoma (HDGC). Also called: DIFFUSE GASTRIC AND LOBULAR BREAST CANCER SYNDROME. Identifiers: Orphanet 26106, MedGen C1708349, MONDO:0007648, OMIM 137215.

Allele frequency attached by ClinVar (database versions not stated): gnomAD 0.00001; TOPMed 0.00002; ESP Exome Variant Server 0.00008.
gnomAD v4.1: 2 of 1,614,036 alleles (0.00012%); highest among the groups gnomAD compares: African/African-American, 0.0027%; no homozygotes.

Submissions (7):

Ambry Genetics
Classification: Benign for Hereditary cancer-predisposing syndrome. Last evaluated: 2026-08-27. Review status: criteria provided, single submitter. Criteria: Ambry Variant Classification Scheme 2023. Collection method: clinical testing. Allele origin: germline.

Labcorp Genetics (formerly Invitae), Labcorp
Classification: Benign for Hereditary diffuse gastric adenocarcinoma. Last evaluated: 2025-12-13. Review status: criteria provided, single submitter. Criteria: Invitae Variant Classification Sherloc (09022015). Collection method: clinical testing. Allele origin: germline.

Color Diagnostics, LLC DBA Color Health
Classification: Uncertain significance for Hereditary cancer-predisposing syndrome. Last evaluated: 2023-12-05. Review status: criteria provided, single submitter. Criteria: ACMG Guidelines, 2015. Collection method: clinical testing. Allele origin: germline.
Comment: This missense variant replaces alanine with aspartic acid at codon 401 of the CDH1 protein. To our knowledge, functional studies have not been reported for this variant. This variant has not been reported in individuals affected with CDH1-related disorders in the literature. This variant has been identified in 1/251488 chromosomes in the general population by the Genome Aggregation Database (gnomAD). The available evidence is insufficient to determine the role of this variant in disease conclusively. Therefore, this variant is classified as a Variant of Uncertain Significance.

GeneDx
Classification: Uncertain significance. Last evaluated: 2023-12-05. Review status: criteria provided, single submitter. Criteria: GeneDx Variant Classification Process June 2021. Collection method: clinical testing. Allele origin: germline. Affected: yes.
Comment: Not observed at significant frequency in large population cohorts (gnomAD); In silico analysis supports that this missense variant does not alter protein structure/function; Has not been previously published as pathogenic or benign to our knowledge; This variant is associated with the following publications: (PMID: 15235021, 22850631)

Baylor Genetics
Classification: Uncertain significance for Familial cancer of breast. Last evaluated: 2023-08-15. Review status: criteria provided, single submitter. Criteria: ACMG Guidelines, 2015. Collection method: clinical testing. Allele origin: unknown.

PreventionGenetics, part of Exact Sciences
Classification: Uncertain significance for CDH1-related condition. Last evaluated: 2023-06-23. Review status: criteria provided, single submitter. Criteria: ACMG Guidelines, 2015. Collection method: clinical testing. Allele origin: germline.
Comment: The CDH1 c.1202C>A variant is predicted to result in the amino acid substitution p.Ala401Asp. To our knowledge, this variant has not been reported in the literature. This variant is reported in 0.0062% of alleles in individuals of African descent in gnomAD. In ClinVar, this variant is interpreted as benign/uncertain. At this time, the clinical significance of this variant is uncertain due to the absence of conclusive functional and genetic evidence.

Quest Diagnostics Nichols Institute San Juan Capistrano
Classification: Uncertain significance. Last evaluated: 2015-10-10. Review status: criteria provided, single submitter. Criteria: Quest Diagnostics criteria. Collection method: clinical testing. Allele origin: unknown.
Comment: To the best of our knowledge, this variant has not been reported in the published literature. The frequency of this variant in the general population, 0.000004 (1/251488 chromosomes (Genome Aggregation Database)), is uninformative in the assessment of its pathogenicity. Based on the available information, we are unable to determine the clinical significance of this variant.

NM_004360.5(CDH1):c.1202C>A (p.Ala401Asp)

Gene: CDH1 (cadherin 1; plus strand). Cytogenetic location: 16q22.1.
Variant type: single nucleotide variant.
Coding change: c.1202C>A on transcript NM_004360.5 (MANE Select); coding-DNA position 1202, C replaced by A.
Protein change: p.Ala401Asp; replaces alanine 401 with aspartic acid.
Molecular consequence: missense variant. On other transcripts: 5 prime UTR variant (2), intron variant (1).
Genome position (GRCh38, 1-based): chr16:68,813,377, C>A. VCF-style: chr16-68813377-C-A. GRCh37 (hg19) VCF-style: chr16-68847280-C-A.
Other names: c.1202C>A (LRG_301t1); c.-414C>A (NM_001317185.2); c.-618C>A (NM_001317186.2); c.1137+1114C>A (NM_001317184.2); short protein forms A401D.
Identifiers: ClinVar variation 422738 (VCV000422738.28), dbSNP rs150795245, ClinGen allele CA8130021.
Genomic context (GRCh38, chr16:68,813,377, plus strand): 5'-AGGGTCAGGTGCCTGAGAACGAGGCTAACGTCGTAATCACCACACTGAAAGTGACTGATG[C>A]TGATGCCCCCAATACCCCAGCGTGGGAGGCTGTATACACCATATTGAATGATGATGGTGG-3'
Protein context (NP_004351.1, residues 391-411): VVITTLKVTD[Ala401Asp]DAPNTPAWEA